The following is an entry in ClinVar:

ClinVar aggregate classification (germline): Uncertain significance (1 of 4 stars; one submission).

Conditions:
Hereditary cancer-predisposing syndrome. Also called: Hereditary Cancer Syndrome; Hereditary neoplastic syndrome; Neoplastic Syndromes, Hereditary; Tumor predisposition. Identifiers: Orphanet 140162, MedGen C0027672, MeSH D009386, MONDO:0015356.

Submission:

Ambry Genetics
Classification: Uncertain significance for Hereditary cancer-predisposing syndrome. Last evaluated: 2021-11-18. Review status: criteria provided, single submitter. Criteria: Ambry Variant Classification Scheme 2023. Collection method: clinical testing. Allele origin: germline.
Comment: The p.L342W variant (also known as c.1025T>G), located in coding exon 4 of the BLM gene, results from a T to G substitution at nucleotide position 1025. The leucine at codon 342 is replaced by tryptophan, an amino acid with similar properties. This amino acid position is conserved. In addition, this alteration is predicted to be tolerated by in silico analysis. Since supporting evidence is limited at this time, the clinical significance of this alteration remains unclear.

NM_000057.4(BLM):c.1025T>G (p.Leu342Trp)

Gene: BLM (BLM RecQ like helicase; plus strand). Cytogenetic location: 15q26.1.
Variant type: single nucleotide variant.
Coding change: c.1025T>G on transcript NM_000057.4 (MANE Select); coding-DNA position 1025, T replaced by G.
Protein change: p.Leu342Trp; replaces leucine 342 with tryptophan.
Molecular consequence: missense variant. On other transcripts: 5 prime UTR variant (1).
Genome position (GRCh38, 1-based): chr15:90,754,876, T>G. VCF-style: chr15-90754876-T-G. GRCh37 (hg19) VCF-style: chr15-91298106-T-G.
Other names: c.1025T>G, p.Leu342Trp (NM_001287246.2, NM_001287247.2); c.-267T>G (NM_001287248.2); short protein forms L342W.
Identifiers: ClinVar variation 1769411 (VCV001769411.2), dbSNP rs1596223853, ClinGen allele CA393842126.